The following is an entry in ClinVar:

ClinVar aggregate classification (germline): Uncertain significance. Review status: criteria provided, multiple submitters, no conflicts (2 of 4 stars). 3 submissions from 3 submitters: Uncertain significance (2). 1 of the submissions does not count toward it. Last evaluated 2025-06-17.

Conditions:
PDE1C-related disorder. Also called: PDE1C-related condition.

Allele frequency attached by ClinVar (database versions not stated): TOPMed 0.00004; ExAC 0.00005; gnomAD exomes 0.00006; gnomAD 0.00008 and 0.00009.

Submissions (3):

PreventionGenetics, part of Exact Sciences
Classification: Uncertain significance for PDE1C-related condition. Last evaluated: 2025-06-17. Review status: criteria provided, single submitter. Criteria: ACMG Guidelines, 2015. Collection method: clinical testing. Allele origin: germline.
Comment: The PDE1C c.1346G>A variant is predicted to result in the amino acid substitution p.Arg449His. To our knowledge, this variant has not been reported in the literature. This variant is reported in 0.013% of alleles in individuals of South Asian descent in gnomAD. Although we suspect that this variant may be benign, at this time, the clinical significance of this variant is uncertain due to the absence of conclusive functional and genetic evidence.

Breakthrough Genomics
Classification: Uncertain significance. Review status: criteria provided, single submitter. Criteria: ACMG Guidelines, 2015. Collection method: not provided. Allele origin: germline. Inheritance: Autosomal dominant inheritance. Affected: yes.

Department of Pathology and Laboratory Medicine, Sinai Health System
Classification: Uncertain significance. Review status: no assertion criteria provided. Collection method: clinical testing. Allele origin: unknown. Affected: yes. Study: The Canadian Open Genetics Repository (COGR). Not counted in ClinVar's aggregate classification.
Comment: The PDE1C p.Arg389His variant was not identified in the literature nor was it identified in the ClinVar, Cosmic, MutDB or LOVD 3.0 databases. The variant was identified in dbSNP (ID: rs535067434) and in control databases in 18 of 282064 chromosomes at a frequency of 0.000064 (Genome Aggregation Database Feb 27, 2017). The variant was observed in the following populations: Other in 2 of 7204 chromosomes (freq: 0.000278), South Asian in 4 of 30612 chromosomes (freq: 0.000131), European (Finnish) in 3 of 25118 chromosomes (freq: 0.000119), European (non-Finnish) in 8 of 128526 chromosomes (freq: 0.000062) and Latino in 1 of 35424 chromosomes (freq: 0.000028), but was not observed in the African, Ashkenazi Jewish or East Asian populations. The c.1166G>A variant occurs outside of the splicing consensus sequence and all in silico or computational prediction software programs (SpliceSiteFinder, MaxEntScan, NNSPLICE, GeneSplicer and Human Splicing Finder) do not predict a difference in splicing. The p.Arg389 residue is conserved in mammals however computational analyses (PolyPhen-2, SIFT, AlignGVGD, BLOSUM, MutationTaster) provide inconsistent predictions regarding the impact the protein; this information is not predictive enough to assume pathogenicity. In summary, based on the above information the clinical significance of this variant cannot be determined with certainty at this time. This variant is classified as a variant of uncertain significance.

NM_001191057.4(PDE1C):c.1166G>A (p.Arg389His)

Gene: PDE1C (phosphodiesterase 1C; minus strand). Cytogenetic location: 7p14.3.
Variant type: single nucleotide variant.
Coding change: c.1166G>A on transcript NM_001191057.4 (MANE Select); coding-DNA position 1166, G replaced by A.
Protein change: p.Arg389His; replaces arginine 389 with histidine.
Molecular consequence: missense variant.
Genome position (GRCh38, 1-based): chr7:31,837,217, C>T on the plus strand (G>A on the coding strand, the complement: PDE1C is on the minus strand). VCF-style: chr7-31837217-C-T. GRCh37 (hg19) VCF-style: chr7-31876831-C-T.
Other names: c.1166G>A, p.Arg389His (NM_001191056.3, NM_001191059.4, NM_001322055.2 and 3 more transcripts); c.1346G>A, p.Arg449His (NM_001191058.4, NM_001322058.2); c.1571G>A, p.Arg524His (NM_001322059.2); c.1346G>A (NM_001191058.3); short protein forms R389H, R449H, R524H.
Identifiers: ClinVar variation 1050404 (VCV001050404.3), dbSNP rs535067434, ClinGen allele CA4211010.